The following is an entry in ClinVar:

NM_152703.5(SAMD9L):c.1033G>A (p.Glu345Lys)

Gene: SAMD9L (sterile alpha motif domain containing 9 like; minus strand). Cytogenetic location: 7q21.2.
Variant type: single nucleotide variant.
Coding change: c.1033G>A on transcript NM_152703.5 (MANE Select); coding-DNA position 1033, G replaced by A.
Protein change: p.Glu345Lys; replaces glutamic acid 345 with lysine.
Molecular consequence: missense variant.
Genome position (GRCh38, 1-based): chr7:93,134,939, C>T on the plus strand (G>A on the coding strand, the complement: SAMD9L is on the minus strand). VCF-style: chr7-93134939-C-T. GRCh37 (hg19) VCF-style: chr7-92764252-C-T.
Other names: p.Glu345Lys; c.1033G>A, p.Glu345Lys (NM_001303496.3, NM_001303497.3, NM_001303498.3 and 5 more transcripts); c.1033G>A (NM_152703.2); short protein forms E345K.
Identifiers: ClinVar variation 3610354 (VCV003610354.4).

ClinVar aggregate classification (germline): Uncertain significance. Review status: criteria provided, multiple submitters, no conflicts (2 of 4 stars). 3 submissions from 3 submitters: Uncertain significance (3). Last evaluated 2025-12-12.

Conditions:
Inborn genetic diseases. Identifiers: MedGen C0950123, MeSH D030342.

gnomAD v4.1: 1 of 1,613,728 alleles (0.000062%); highest among the groups gnomAD compares: Non-Finnish European, 0.000085%; no homozygotes.

Submissions (3):

Mayo Clinic Laboratories, Mayo Clinic
Classification: Uncertain significance. Last evaluated: 2025-12-12. Review status: criteria provided, single submitter. Criteria: ACMG Guidelines, 2015. Collection method: clinical testing. Allele origin: germline. Observed: 1 variant allele.
Comment: BP4_moderate, PM2_supporting

Ambry Genetics
Classification: Uncertain significance for Inborn genetic diseases. Last evaluated: 2025-03-05. Review status: criteria provided, single submitter. Criteria: Ambry Variant Classification Scheme 2023. Collection method: clinical testing. Allele origin: germline.
Comment: The p.E345K variant (also known as c.1033G>A), located in coding exon 1 of the SAMD9L gene, results from a G to A substitution at nucleotide position 1033. The glutamic acid at codon 345 is replaced by lysine, an amino acid with similar properties. This amino acid position is conserved. In addition, this alteration is predicted to be tolerated by in silico analysis. Based on the available evidence, the clinical significance of this variant remains unclear.

Labcorp Genetics (formerly Invitae), Labcorp
Classification: Uncertain significance. Last evaluated: 2024-04-25. Review status: criteria provided, single submitter. Criteria: Invitae Variant Classification Sherloc (09022015). Collection method: clinical testing. Allele origin: germline.
Comment: This sequence change replaces glutamic acid, which is acidic and polar, with lysine, which is basic and polar, at codon 345 of the SAMD9L protein (p.Glu345Lys). This variant is not present in population databases (gnomAD no frequency). This variant has not been reported in the literature in individuals affected with SAMD9L-related conditions. An algorithm developed to predict the effect of missense changes on protein structure and function (PolyPhen-2) suggests that this variant is likely to be tolerated. In summary, the available evidence is currently insufficient to determine the role of this variant in disease. Therefore, it has been classified as a Variant of Uncertain Significance.